The following is an entry in ClinVar:

ClinVar aggregate classification (germline): Uncertain significance (1 of 4 stars; one submission).

Submission:

Labcorp Genetics (formerly Invitae), Labcorp
Classification: Uncertain significance. Last evaluated: 2024-05-23. Review status: criteria provided, single submitter. Criteria: Invitae Variant Classification Sherloc (09022015). Collection method: clinical testing. Allele origin: germline.
Comment: This sequence change replaces aspartic acid, which is acidic and polar, with tyrosine, which is neutral and polar, at codon 2338 of the VCAN protein (p.Asp2338Tyr). This variant is not present in population databases (gnomAD no frequency). This variant has not been reported in the literature in individuals affected with VCAN-related conditions. An algorithm developed to predict the effect of missense changes on protein structure and function (PolyPhen-2) suggests that this variant is likely to be disruptive. In summary, the available evidence is currently insufficient to determine the role of this variant in disease. Therefore, it has been classified as a Variant of Uncertain Significance.

NM_004385.5(VCAN):c.7012G>T (p.Asp2338Tyr)

Genes: VCAN (versican; plus strand), VCAN-AS1 (VCAN antisense RNA 1; minus strand). Cytogenetic location: 5q14.3.
Variant type: single nucleotide variant.
Coding change: c.7012G>T on transcript NM_004385.5 (MANE Select); coding-DNA position 7012, G replaced by T.
Protein change: p.Asp2338Tyr; replaces aspartic acid 2338 with tyrosine.
Molecular consequence: missense variant. On other transcripts: intron variant (2).
Genome position (GRCh38, 1-based): chr5:83,540,015, G>T. VCF-style: chr5-83540015-G-T. GRCh37 (hg19) VCF-style: chr5-82835834-G-T.
Other names: c.4051G>T, p.Asp1351Tyr (NM_001164097.2); c.4004-5522G>T (NM_001164098.2); c.1043-5522G>T (NM_001126336.3); short protein forms D2338Y, D1351Y.
Identifiers: ClinVar variation 3671474 (VCV003671474.2).
Genomic context (GRCh38, chr5:83,540,015, plus strand): 5'-ACAGACATCTTTGAAGGTAGTGGGTCAGTAACCAGCACAACATTAATAGAAATTTTAAGT[G>T]ACACTGGAGCAGAAGGACCCACGGTGGCACCTCTCCCTTTCTCCACGGACATCGGACATC-3'
Protein context (NP_004376.2, residues 2328-2348): TSTTLIEILS[Asp2338Tyr]TGAEGPTVAP